The following is an entry in ClinVar:

NM_003072.5(SMARCA4):c.1081C>T (p.Leu361Phe)

Gene: SMARCA4 (SWI/SNF related BAF chromatin remodeling complex subunit ATPase 4; plus strand). Cytogenetic location: 19p13.2.
Variant type: single nucleotide variant.
Coding change: c.1081C>T on transcript NM_003072.5 (MANE Select); coding-DNA position 1081, C replaced by T.
Protein change: p.Leu361Phe; replaces leucine 361 with phenylalanine.
Molecular consequence: missense variant. On other transcripts: non-coding transcript variant (1).
Genome position (GRCh38, 1-based): chr19:10,987,887, C>T. VCF-style: chr19-10987887-C-T. GRCh37 (hg19) VCF-style: chr19-11098563-C-T.
Other names: c.1081C>T, p.Leu361Phe (NM_001128844.3, NM_001128845.2, NM_001128846.2 and 6 more transcripts); short protein forms L361F.
Identifiers: ClinVar variation 1721538 (VCV001721538.5), dbSNP rs1222895303, ClinGen allele CA404058826.

ClinVar aggregate classification (germline): Uncertain significance (1 of 4 stars; one submission).

Conditions:
Rhabdoid tumor predisposition syndrome 2 (RTPS2). Identifiers: Orphanet 231108, Orphanet 69077, MedGen C2750074, MONDO:0013224, OMIM 613325.

Allele frequency attached by ClinVar (database versions not stated): gnomAD exomes below 0.00001.
gnomAD v4.1: 1 of 1,613,120 alleles (0.000062%); highest among the groups gnomAD compares: East Asian, 0.0022%; no homozygotes.

Submission:

Labcorp Genetics (formerly Invitae), Labcorp
Classification: Uncertain significance for Rhabdoid tumor predisposition syndrome 2. Last evaluated: 2022-11-17. Review status: criteria provided, single submitter. Criteria: Invitae Variant Classification Sherloc (09022015). Collection method: clinical testing. Allele origin: germline.
Comment: This sequence change replaces leucine, which is neutral and non-polar, with phenylalanine, which is neutral and non-polar, at codon 361 of the SMARCA4 protein (p.Leu361Phe). This variant is not present in population databases (gnomAD no frequency). This variant has not been reported in the literature in individuals affected with SMARCA4-related conditions. Advanced modeling of protein sequence and biophysical properties (such as structural, functional, and spatial information, amino acid conservation, physicochemical variation, residue mobility, and thermodynamic stability) has been performed at Invitae for this missense variant, however the output from this modeling did not meet the statistical confidence thresholds required to predict the impact of this variant on SMARCA4 protein function. In summary, the available evidence is currently insufficient to determine the role of this variant in disease. Therefore, it has been classified as a Variant of Uncertain Significance.